The following is an entry in ClinVar:

NM_003072.5(SMARCA4):c.2177G>A (p.Arg726His)

Gene: SMARCA4 (SWI/SNF related BAF chromatin remodeling complex subunit ATPase 4; plus strand). Cytogenetic location: 19p13.2.
Variant type: single nucleotide variant.
Coding change: c.2177G>A on transcript NM_003072.5 (MANE Select); coding-DNA position 2177, G replaced by A.
Protein change: p.Arg726His; replaces arginine 726 with histidine.
Molecular consequence: missense variant. On other transcripts: non-coding transcript variant (1).
Genome position (GRCh38, 1-based): chr19:11,010,434, G>A. VCF-style: chr19-11010434-G-A. GRCh37 (hg19) VCF-style: chr19-11121110-G-A.
Other names: c.2177G>A, p.Arg726His (NM_001128844.3, NM_001128845.2, NM_001128846.2 and 5 more transcripts); short protein forms R726H.
Identifiers: ClinVar variation 470289 (VCV000470289.17), dbSNP rs749349816, ClinGen allele CA9204034.

ClinVar aggregate classification (germline): Conflicting classifications of pathogenicity. Review status: criteria provided, conflicting classifications (1 of 4 stars). 3 submissions from 3 submitters: Uncertain significance (2); Likely benign (1). Last evaluated 2025-12-17.

Conditions:
Hereditary cancer-predisposing syndrome. Also called: Hereditary neoplastic syndrome; Neoplastic Syndromes, Hereditary; Tumor predisposition; Hereditary Cancer Syndrome. Identifiers: Orphanet 140162, MedGen C0027672, MeSH D009386, MONDO:0015356.
Intellectual disability, autosomal dominant 16 (CSS4). Also called: COFFIN-SIRIS SYNDROME 4. Identifiers: Orphanet 1465, MedGen C3553249, MONDO:0013821, OMIM 614609.
Rhabdoid tumor predisposition syndrome 2 (RTPS2). Identifiers: Orphanet 231108, Orphanet 69077, MedGen C2750074, MONDO:0013224, OMIM 613325.

Allele frequency attached by ClinVar (database versions not stated): gnomAD exomes below 0.00001 and 0.00001; ExAC 0.00001; gnomAD 0.00001; TOPMed 0.00002.
gnomAD v4.1: 11 of 1,613,744 alleles (0.00068%); highest among the groups gnomAD compares: Admixed American, 0.005%; no homozygotes.

Submissions (3):

Labcorp Genetics (formerly Invitae), Labcorp
Classification: Uncertain significance for Rhabdoid tumor predisposition syndrome 2. Last evaluated: 2025-12-17. Review status: criteria provided, single submitter. Criteria: Invitae Variant Classification Sherloc (09022015). Collection method: clinical testing. Allele origin: germline.
Comment: This sequence change replaces arginine, which is basic and polar, with histidine, which is basic and polar, at codon 726 of the SMARCA4 protein (p.Arg726His). The frequency data for this variant in the population databases is considered unreliable, as metrics indicate poor data quality at this position in the gnomAD database. This variant has not been reported in the literature in individuals affected with SMARCA4-related conditions. ClinVar contains an entry for this variant (Variation ID: 470289). Invitae Evidence Modeling of protein sequence and biophysical properties (such as structural, functional, and spatial information, amino acid conservation, physicochemical variation, residue mobility, and thermodynamic stability) indicates that this missense variant is not expected to disrupt SMARCA4 protein function with a negative predictive value of 95%. In summary, the available evidence is currently insufficient to determine the role of this variant in disease. Therefore, it has been classified as a Variant of Uncertain Significance.

Ambry Genetics
Classification: Likely benign for Hereditary cancer-predisposing syndrome. Last evaluated: 2022-10-20. Review status: criteria provided, single submitter. Criteria: Ambry Variant Classification Scheme 2023. Collection method: clinical testing. Allele origin: germline.

Genome-Nilou Lab
Classification: Uncertain significance for Intellectual disability, autosomal dominant 16. Last evaluated: 2021-07-15. Review status: criteria provided, single submitter. Criteria: ACMG Guidelines, 2015. Collection method: clinical testing. Allele origin: germline. Affected: no.